The following is an entry in ClinVar:

NM_000289.6(PFKM):c.2085C>A (p.Tyr695Ter)

Gene: PFKM (phosphofructokinase, muscle; plus strand). Cytogenetic location: 12q13.11.
Variant type: single nucleotide variant.
Coding change: c.2085C>A on transcript NM_000289.6 (MANE Select); coding-DNA position 2085, C replaced by A.
Protein change: p.Tyr695Ter; replaces tyrosine 695 with a stop codon.
Molecular consequence: nonsense. On other transcripts: non-coding transcript variant (6).
Genome position (GRCh38, 1-based): chr12:48,145,123, C>A. VCF-style: chr12-48145123-C-A. GRCh37 (hg19) VCF-style: chr12-48538906-C-A.
Other names: c.2298C>A, p.Tyr766Ter (NM_001166686.2, NM_001354737.1, NM_001354738.1 and 1 more transcripts); c.2085C>A, p.Tyr695Ter (NM_001166687.2, NM_001166688.2, NM_001354742.2 and 2 more transcripts); c.2394C>A, p.Tyr798Ter (NM_001354735.1, NM_001354736.1); c.2229C>A, p.Tyr743Ter (NM_001354740.1); c.2109C>A, p.Tyr703Ter (NM_001354741.2); c.1998C>A, p.Tyr666Ter (NM_001354745.2); c.1959C>A, p.Tyr653Ter (NM_001354746.2); c.1935C>A, p.Tyr645Ter (NM_001354747.2, NM_001354748.2); and 2 more; short protein forms Y645*, Y653*, Y664*, Y666*, Y695*, Y703*, Y735*, Y743*.
Identifiers: ClinVar variation 5016234 (VCV005016234.1).

ClinVar aggregate classification (germline): Pathogenic (1 of 4 stars; one submission).

Conditions:
Glycogen storage disease, type VII (GSD7). Also called: PFKM DEFICIENCY; TARUI DISEASE; GSD VII; MUSCLE PHOSPHOFRUCTOKINASE DEFICIENCY. Identifiers: Orphanet 371, MedGen C0017926, MONDO:0009295, OMIM 232800.

Submission:

Myriad Genetics, Inc.
Classification: Pathogenic for Glycogen storage disease, type VII. Last evaluated: 2026-08-13. Review status: criteria provided, single submitter. Criteria: Myriad Autosomal Dominant, Autosomal Recessive and X-Linked Classification Criteria (2023). Collection method: clinical testing. Allele origin: unknown.
Comment: NM_001166686.1(PFKM):c.2298C>A(Y766*) is expected to be pathogenic in the context of glycogen storage disease, PFKM-related. This variant is predicted to lead to an abnormal or absent protein product due to the creation of a premature termination codon in PFKM, a gene where loss-of-function variants are known to be pathogenic. Please note: this variant was assessed in the context of healthy population screening.